The following is an entry in ClinVar:

NM_001244008.2(KIF1A):c.202G>C (p.Ala68Pro)

Gene: KIF1A (kinesin family member 1A; minus strand). Cytogenetic location: 2q37.3.
Variant type: single nucleotide variant.
Coding change: c.202G>C on transcript NM_001244008.2 (MANE Select); coding-DNA position 202, G replaced by C.
Protein change: p.Ala68Pro; replaces alanine 68 with proline.
Molecular consequence: missense variant.
Genome position (GRCh38, 1-based): chr2:240,788,212, C>G on the plus strand (G>C on the coding strand, the complement: KIF1A is on the minus strand). VCF-style: chr2-240788212-C-G. GRCh37 (hg19) VCF-style: chr2-241727629-C-G.
Other names: c.202G>C, p.Ala68Pro (NM_001320705.2, NM_001330289.2, NM_001330290.2 and 20 more transcripts); short protein forms A68P.
Identifiers: ClinVar variation 1304937 (VCV001304937.2), dbSNP rs761950783, ClinGen allele CA351311018.

ClinVar aggregate classification (germline): Uncertain significance (1 of 4 stars; one submission).

Submission:

GeneDx
Classification: Uncertain significance. Last evaluated: 2019-12-11. Review status: criteria provided, single submitter. Criteria: GeneDx Variant Classification Process June 2021. Collection method: clinical testing. Allele origin: germline. Affected: yes.
Comment: Not observed in large population cohorts (Lek et al., 2016); In silico analysis, which includes protein predictors and evolutionary conservation, supports a deleterious effect; Has not been previously published as pathogenic or benign to our knowledge